The following is an entry in ClinVar:

NM_177438.3(DICER1):c.*1506C>T

Gene: DICER1 (dicer 1, ribonuclease III; minus strand). Cytogenetic location: 14q32.13.
Variant type: single nucleotide variant.
Coding change: c.*1506C>T on transcript NM_177438.3 (MANE Select); 1506 bases downstream of the stop codon, C replaced by T.
Molecular consequence: 3 prime UTR variant.
Genome position (GRCh38, 1-based): chr14:95,088,992, G>A on the plus strand (C>T on the coding strand, the complement: DICER1 is on the minus strand). VCF-style: chr14-95088992-G-A. GRCh37 (hg19) VCF-style: chr14-95555329-G-A.
Other names: c.*1622C>T (NM_001195573.1); c.*1506C>T (NM_001271282.3, NM_001291628.2, NM_030621.4).
Identifiers: ClinVar variation 884956 (VCV000884956.29), dbSNP rs529235567, ClinGen allele CA265893725.

ClinVar aggregate classification (germline): Conflicting classifications of pathogenicity. Review status: criteria provided, conflicting classifications (1 of 4 stars). 2 submissions from 2 submitters: Uncertain significance (1); Likely benign (1). Last evaluated 2023-02-01.

Conditions:
DICER1-related tumor predisposition. Also called: DICER1-related pleuropulmonary blastoma cancer predisposition syndrome; DICER1 syndrome. Identifiers: Orphanet 284343, MedGen C3839822, MONDO:0100216.

Allele frequency attached by ClinVar (database versions not stated): 1000 Genomes Project 30x 0.00016; gnomAD exomes 0.00066; TOPMed 0.00122; gnomAD 0.00129 and 0.00132.
gnomAD v4.1: 247 of 232,850 alleles (0.11%); highest among the groups gnomAD compares: Non-Finnish European, 0.17%; 1 homozygote.

Submissions (2):

CeGaT Center for Human Genetics Tuebingen
Classification: Likely benign. Last evaluated: 2023-02-01. Review status: criteria provided, single submitter. Criteria: CeGaT Center For Human Genetics Tuebingen Variant Classification Criteria Version 2. Collection method: clinical testing. Allele origin: germline. Affected: yes. Observed: 3 variant alleles.
Comment: DICER1: BS1

Illumina Laboratory Services, Illumina
Classification: Uncertain significance for Pleuropulmonary blastoma. Last evaluated: 2018-01-13. Review status: criteria provided, single submitter. Criteria: ICSL Variant Classification Criteria 13 December 2019. Collection method: clinical testing. Allele origin: germline.